The following is an entry in ClinVar:

ClinVar aggregate classification (germline): Uncertain significance. Review status: criteria provided, multiple submitters, no conflicts (2 of 4 stars). 5 submissions from 5 submitters: Uncertain significance (4). 1 of the submissions does not count toward it. Last evaluated 2024-05-20.

Conditions:
Glycogen storage disease type III (GSD3). Also called: FORBES DISEASE; Cori disease. Identifiers: Orphanet 366, MedGen C0017922, MONDO:0009291, OMIM 232400.

Allele frequency attached by ClinVar (database versions not stated): TOPMed 0.00001; ExAC 0.00002; gnomAD 0.00002; gnomAD exomes 0.00002.

Submissions (5):

Labcorp Genetics (formerly Invitae), Labcorp
Classification: Uncertain significance for Glycogen storage disease type III. Last evaluated: 2024-05-20. Review status: criteria provided, single submitter. Criteria: Invitae Variant Classification Sherloc (09022015). Collection method: clinical testing. Allele origin: germline.
Comment: This sequence change replaces methionine, which is neutral and non-polar, with threonine, which is neutral and polar, at codon 1212 of the AGL protein (p.Met1212Thr). This variant is present in population databases (rs779439947, gnomAD 0.004%). This missense change has been observed in individual(s) with glycogen storage disease (PMID: 36579437). ClinVar contains an entry for this variant (Variation ID: 456491). Advanced modeling of protein sequence and biophysical properties (such as structural, functional, and spatial information, amino acid conservation, physicochemical variation, residue mobility, and thermodynamic stability) has been performed at Invitae for this missense variant, however the output from this modeling did not meet the statistical confidence thresholds required to predict the impact of this variant on AGL protein function. In summary, the available evidence is currently insufficient to determine the role of this variant in disease. Therefore, it has been classified as a Variant of Uncertain Significance.

Women's Health and Genetics/Laboratory Corporation of America, LabCorp
Classification: Uncertain significance. Last evaluated: 2023-08-30. Review status: criteria provided, single submitter. Criteria: LabCorp Variant Classification Summary - May 2015. Collection method: clinical testing. Allele origin: germline.

Genome-Nilou Lab
Classification: Uncertain significance for Glycogen storage disease type III. Last evaluated: 2023-04-11. Review status: criteria provided, single submitter. Criteria: ACMG Guidelines, 2015. Collection method: clinical testing. Allele origin: germline. Affected: no.

Baylor Genetics
Classification: Uncertain significance for Glycogen storage disease type III. Last evaluated: 2023-03-27. Review status: criteria provided, single submitter. Criteria: ACMG Guidelines, 2015. Collection method: clinical testing. Allele origin: unknown.

Natera, Inc.
Classification: Uncertain significance for Glycogen storage disease type III. Last evaluated: 2019-10-28. Review status: no assertion criteria provided. Collection method: clinical testing. Allele origin: germline. Not counted in ClinVar's aggregate classification.

Literature cited by the submitters: PubMed 36579437 (cited by Labcorp Genetics (formerly Invitae), Labcorp).

NM_000642.3(AGL):c.3635T>C (p.Met1212Thr)

Gene: AGL (amylo-alpha-1,6-glucosidase and 4-alpha-glucanotransferase; plus strand). Cytogenetic location: 1p21.2.
Variant type: single nucleotide variant.
Coding change: c.3635T>C on transcript NM_000642.3 (MANE Select); coding-DNA position 3635, T replaced by C.
Protein change: p.Met1212Thr; replaces methionine 1212 with threonine.
Molecular consequence: missense variant.
Genome position (GRCh38, 1-based): chr1:99,902,729, T>C. VCF-style: chr1-99902729-T-C. GRCh37 (hg19) VCF-style: chr1-100368285-T-C.
Other names: c.3635T>C, p.Met1212Thr (NM_000028.3, NM_000643.3, NM_000644.3 and 1 more transcripts); c.3587T>C, p.Met1196Thr (NM_000646.3); c.3614T>C, p.Met1205Thr (NM_001425326.1); c.3434T>C, p.Met1145Thr (NM_001425327.1); c.3431T>C, p.Met1144Thr (NM_001425328.1); c.3296T>C, p.Met1099Thr (NM_001425329.1); c.3257T>C, p.Met1086Thr (NM_001425332.1); short protein forms M1212T, M1196T, M1086T, M1099T, M1144T, M1145T, M1205T.
Identifiers: ClinVar variation 456491 (VCV000456491.11), dbSNP rs779439947, ClinGen allele CA967163.